The following is an entry in ClinVar:

NM_000308.4(CTSA):c.772A>G (p.Thr258Ala)

Gene: CTSA (cathepsin A; plus strand). Cytogenetic location: 20q13.12.
Variant type: single nucleotide variant.
Coding change: c.772A>G on transcript NM_000308.4 (MANE Select); coding-DNA position 772, A replaced by G.
Protein change: p.Thr258Ala; replaces threonine 258 with alanine.
Molecular consequence: missense variant. On other transcripts: non-coding transcript variant (1).
Genome position (GRCh38, 1-based): chr20:45,894,067, A>G. VCF-style: chr20-45894067-A-G. GRCh37 (hg19) VCF-style: chr20-44522706-A-G.
Other names: c.772A>G, p.Thr258Ala (NM_001127695.3); c.721A>G, p.Thr241Ala (NM_001167594.3); short protein forms T241A, T258A.
Identifiers: ClinVar variation 2068488 (VCV002068488.4), dbSNP rs2515438860, ClinGen allele CA409251680.
Genomic context (GRCh38, chr20:45,894,067, plus strand): 5'-ACCCACTGCTGCTCTCAAAACAAGTGTAACTTCTATGACAACAAAGACCTGGAATGCGTG[A>G]CCAATGTGAGGTTCTGCCATCACTTTGCATGAGCTCTCCCATCCCTAATCCTGAGAACAG-3'
Protein context (NP_000299.3, residues 248-268): FYDNKDLECV[Thr258Ala]NLQEVARIVG

ClinVar aggregate classification (germline): Uncertain significance (1 of 4 stars; one submission).

Conditions:
Combined deficiency of sialidase AND beta galactosidase (GSL). Also called: Galactosialidosis; CATHEPSIN A DEFICIENCY; GOLDBERG SYNDROME; NEURAMINIDASE DEFICIENCY WITH BETA-GALACTOSIDASE DEFICIENCY; NEURAMINIDASE/BETA-GALACTOSIDASE EXPRESSION; PPCA DEFICIENCY. Identifiers: Orphanet 351, MedGen C0268233, MONDO:0009737, OMIM 256540.

Submission:

Labcorp Genetics (formerly Invitae), Labcorp
Classification: Uncertain significance for Combined deficiency of sialidase AND beta galactosidase. Last evaluated: 2022-01-01. Review status: criteria provided, single submitter. Criteria: Invitae Variant Classification Sherloc (09022015). Collection method: clinical testing. Allele origin: germline.
Comment: In summary, the available evidence is currently insufficient to determine the role of this variant in disease. Therefore, it has been classified as a Variant of Uncertain Significance. Algorithms developed to predict the effect of missense changes on protein structure and function output the following: SIFT: "Not Available"; PolyPhen-2: "Benign"; Align-GVGD: "Not Available". The alanine amino acid residue is found in multiple mammalian species, which suggests that this missense change does not adversely affect protein function. This variant has not been reported in the literature in individuals affected with CTSA-related conditions. This variant is not present in population databases (gnomAD no frequency). This sequence change replaces threonine, which is neutral and polar, with alanine, which is neutral and non-polar, at codon 276 of the CTSA protein (p.Thr276Ala).